The following is an entry in ClinVar:

ClinVar aggregate classification (germline): Pathogenic (1 of 4 stars; one submission).

Conditions:
Neuromuscular disease caused by qualitative or quantitative defects of dystrophin. Also called: Qualitative or quantitative defects of dystrophin. Identifiers: Orphanet 207085, MedGen C5679787, MONDO:0016147.

Submission:

Women's Health and Genetics/Laboratory Corporation of America, LabCorp
Classification: Pathogenic for Neuromuscular disease caused by qualitative or quantitative defects of dystrophin. Last evaluated: 2025-07-16. Review status: criteria provided, single submitter. Criteria: LabCorp Variant Classification Summary - May 2015. Collection method: clinical testing. Allele origin: germline.
Comment: Variant summary: The variant involves the deletion of exons 42-44 in the DMD gene. A presumed nomenclature of c.(5922+1_5923-1)_(6438+1_6439-1)del has been designated for the purposes of this classification. This Copy Number Variant (CNV) is predicted to result in an in-frame deletion within the rod domain of the DMD gene. The variant was absent in 86157 control chromosomes in the gnomAD database (Structural Variants v4.1 dataset). Deletion of exons 42-44 has been observed in individuals who were asymptomatic or affected with milder forms of Dystrophinopathies (e.g. Morandi_1995, Xiao_2021), however, in-frame deletions/duplications in the rod domain, which consists of 24 spectrin-like repeats, may result in a milder phenotype with reduced penetrance (i.e. varying between Becker- and being clinically asymptomatic). Smaller in-frame deletion(s) within the deleted region are reported in affected individuals (HGMD), and are classified as pathogenic by our lab, and others ClinVar. To our knowledge, no experimental evidence demonstrating an impact on protein function has been reported. The following publications have been ascertained in the context of this evaluation (PMID: 8543940, 34268379). ClinVar contains entries for this variant (Variation IDs: 2424834; 1075913). Based on the evidence outlined above, the variant was classified as pathogenic.

Literature cited by the submitters: PubMed 8543940; PubMed 34268379.

NC_000023.10:g.(31986632_32235032)_(32328394_32360216)del

Gene: DMD (dystrophin; minus strand). Cytogenetic location: Xp21.1.
Variant type: Deletion.
Identifiers: ClinVar variation 4525857 (VCV004525857.1).